The following is an entry in ClinVar:

ClinVar aggregate classification (germline): Uncertain significance (1 of 4 stars; one submission).

Allele frequency attached by ClinVar (database versions not stated): gnomAD exomes below 0.00001; TOPMed below 0.00001.
gnomAD v4.1: 7 of 1,610,214 alleles (0.00043%); highest among the groups gnomAD compares: Non-Finnish European, 0.00051%; no homozygotes.

Submission:

Labcorp Genetics (formerly Invitae), Labcorp
Classification: Uncertain significance. Last evaluated: 2022-10-24. Review status: criteria provided, single submitter. Criteria: Invitae Variant Classification Sherloc (09022015). Collection method: clinical testing. Allele origin: germline.
Comment: In summary, the available evidence is currently insufficient to determine the role of this variant in disease. Therefore, it has been classified as a Variant of Uncertain Significance. Advanced modeling of protein sequence and biophysical properties (such as structural, functional, and spatial information, amino acid conservation, physicochemical variation, residue mobility, and thermodynamic stability) performed at Invitae indicates that this missense variant is not expected to disrupt RTTN protein function. ClinVar contains an entry for this variant (Variation ID: 1470097). This variant has not been reported in the literature in individuals affected with RTTN-related conditions. This variant is not present in population databases (gnomAD no frequency). This sequence change replaces threonine, which is neutral and polar, with alanine, which is neutral and non-polar, at codon 142 of the RTTN protein (p.Thr142Ala).

NM_173630.4(RTTN):c.424A>G (p.Thr142Ala)

Gene: RTTN (rotatin; minus strand). Cytogenetic location: 18q22.2.
Variant type: single nucleotide variant.
Coding change: c.424A>G on transcript NM_173630.4 (MANE Select); coding-DNA position 424, A replaced by G.
Protein change: p.Thr142Ala; replaces threonine 142 with alanine.
Molecular consequence: missense variant. On other transcripts: 5 prime UTR variant (1).
Genome position (GRCh38, 1-based): chr18:70,201,957, T>C on the plus strand (A>G on the coding strand, the complement: RTTN is on the minus strand). VCF-style: chr18-70201957-T-C. GRCh37 (hg19) VCF-style: chr18-67869193-T-C.
Other names: c.-2130A>G (NM_001318520.2); short protein forms T142A.
Identifiers: ClinVar variation 1470097 (VCV001470097.6), dbSNP rs1180345951, ClinGen allele CA402700665.